The following is an entry in ClinVar:

NM_006031.6(PCNT):c.5267T>C (p.Met1756Thr)

Gene: PCNT (pericentrin; plus strand). Cytogenetic location: 21q22.3.
Variant type: single nucleotide variant.
Coding change: c.5267T>C on transcript NM_006031.6 (MANE Select); coding-DNA position 5267, T replaced by C.
Protein change: p.Met1756Thr; replaces methionine 1756 with threonine.
Molecular consequence: missense variant.
Genome position (GRCh38, 1-based): chr21:46,411,340, T>C. VCF-style: chr21-46411340-T-C. GRCh37 (hg19) VCF-style: chr21-47831254-T-C.
Other names: c.4913T>C, p.Met1638Thr (NM_001315529.2); short protein forms M1638T, M1756T.
Identifiers: ClinVar variation 4995280 (VCV004995280.1).

ClinVar aggregate classification (germline): Uncertain significance (1 of 4 stars; one submission).

Conditions:
PCNT-related disorder. Also called: PCNT-related condition.

Submission:

PreventionGenetics, part of Exact Sciences
Classification: Uncertain significance for PCNT-related condition. Last evaluated: 2026-09-02. Review status: criteria provided, single submitter. Criteria: ACMG Guidelines, 2015. Collection method: clinical testing. Allele origin: germline.
Comment: The PCNT c.5267T>C variant is predicted to result in the amino acid substitution p.Met1756Thr. To our knowledge, this variant has not been reported in the literature or in a large population database (gnomAD), indicating this variant is rare. At this time, the clinical significance of this variant is uncertain due to the absence of conclusive functional and genetic evidence.